The following is an entry in ClinVar:

NM_015100.4(POGZ):c.23T>C (p.Met8Thr)

Gene: POGZ (pogo transposable element derived with ZNF domain; minus strand). Cytogenetic location: 1q21.3.
Variant type: single nucleotide variant.
Coding change: c.23T>C on transcript NM_015100.4 (MANE Select); coding-DNA position 23, T replaced by C.
Protein change: p.Met8Thr; replaces methionine 8 with threonine.
Molecular consequence: missense variant.
Genome position (GRCh38, 1-based): chr1:151,442,182, A>G on the plus strand (T>C on the coding strand, the complement: POGZ is on the minus strand). VCF-style: chr1-151442182-A-G. GRCh37 (hg19) VCF-style: chr1-151414658-A-G.
Other names: c.23T>C, p.Met8Thr (NM_001194937.2, NM_001194938.2, NM_145796.4 and 1 more transcripts); c.44T>C, p.Met15Thr (NM_001410860.1); short protein forms M15T, M8T.
Identifiers: ClinVar variation 1707848 (VCV001707848.2), dbSNP rs2529693225, ClinGen allele CA341986183.

ClinVar aggregate classification (germline): Uncertain significance (1 of 4 stars; one submission).

Submission:

GeneDx
Classification: Uncertain significance. Last evaluated: 2022-04-01. Review status: criteria provided, single submitter. Criteria: GeneDx Variant Classification Process June 2021. Collection method: clinical testing. Allele origin: germline. Affected: yes.
Comment: Not observed at significant frequency in large population cohorts (gnomAD); In silico analysis supports that this missense variant has a deleterious effect on protein structure/function; Has not been previously published as pathogenic or benign to our knowledge